The following is an entry in ClinVar:

NM_002693.3(POLG):c.2704C>T (p.Leu902Phe)

Gene: POLG (DNA polymerase gamma, catalytic subunit; minus strand). Cytogenetic location: 15q26.1.
Variant type: single nucleotide variant.
Coding change: c.2704C>T on transcript NM_002693.3 (MANE Select); coding-DNA position 2704, C replaced by T.
Protein change: p.Leu902Phe; replaces leucine 902 with phenylalanine.
Molecular consequence: missense variant.
Genome position (GRCh38, 1-based): chr15:89,321,155, G>A on the plus strand (C>T on the coding strand, the complement: POLG is on the minus strand). VCF-style: chr15-89321155-G-A. GRCh37 (hg19) VCF-style: chr15-89864386-G-A.
Other names: c.2704C>T, p.Leu902Phe (NM_001126131.2); short protein forms L902F.
Identifiers: ClinVar variation 5020325 (VCV005020325.1).

ClinVar aggregate classification (germline): Uncertain significance (1 of 4 stars; one submission).

Submission:

Dasa
Classification: Uncertain significance. Last evaluated: 2026-06-22. Review status: criteria provided, single submitter. Criteria: DASA Assertion Criteria. Collection method: clinical testing. Allele origin: germline.
Comment: NM_002693.3(POLG):c.2704C>T (p.Leu902Phe) is a missense variant that results in the substitution of leucine with phenylalanine. This variant is rare in population databases. Computational prediction algorithms are consistent with a deleterious effect. The currently available literature and clinical evidence are not sufficient to establish a definitive association between this variant and the reported condition. Therefore, this variant is classified as a variant of uncertain significance.